The following is an entry in ClinVar:

ClinVar aggregate classification (germline): Uncertain significance (1 of 4 stars; one submission).

Conditions:
Ataxia-telangiectasia syndrome (AT). Also called: LOUIS-BAR SYNDROME; Ataxia telangiectasia (A-T); Cerebello-oculocutaneous telangiectasia; Immunodeficiency with ataxia telangiectasia; ATAXIA-TELANGIECTASIA, COMPLEMENTATION GROUP A; ATAXIA-TELANGIECTASIA, FRESNO VARIANT. Identifiers: Orphanet 100, MedGen C0004135, MONDO:0008840, OMIM 208900.

Submission:

Labcorp Genetics (formerly Invitae), Labcorp
Classification: Uncertain significance for Ataxia-telangiectasia syndrome. Last evaluated: 2019-07-25. Review status: criteria provided, single submitter. Criteria: Invitae Variant Classification Sherloc (09022015). Collection method: clinical testing. Allele origin: germline.
Comment: In summary, the available evidence is currently insufficient to determine the role of this variant in disease. Therefore, it has been classified as a Variant of Uncertain Significance. Algorithms developed to predict the effect of missense changes on protein structure and function (SIFT, PolyPhen-2, Align-GVGD) all suggest that this variant is likely to be disruptive, but these predictions have not been confirmed by published functional studies and their clinical significance is uncertain. This variant has not been reported in the literature in individuals with ATM-related conditions. This variant is not present in population databases (ExAC no frequency). This sequence change replaces phenylalanine with cysteine at codon 1597 of the ATM protein (p.Phe1597Cys). The phenylalanine residue is highly conserved and there is a large physicochemical difference between phenylalanine and cysteine.

NM_000051.4(ATM):c.4790T>G (p.Phe1597Cys)

Gene: ATM (ATM serine/threonine kinase; plus strand). Cytogenetic location: 11q22.3.
Variant type: single nucleotide variant.
Coding change: c.4790T>G on transcript NM_000051.4 (MANE Select); coding-DNA position 4790, T replaced by G.
Protein change: p.Phe1597Cys; replaces phenylalanine 1597 with cysteine.
Molecular consequence: missense variant.
Genome position (GRCh38, 1-based): chr11:108,294,940, T>G. VCF-style: chr11-108294940-T-G. GRCh37 (hg19) VCF-style: chr11-108165667-T-G.
Other names: c.4790T>G, p.Phe1597Cys (NM_001351834.2); short protein forms F1597C.
Identifiers: ClinVar variation 950173 (VCV000950173.9), dbSNP rs2083034224, ClinGen allele CA382536252.
Genomic context (GRCh38, chr11:108,294,940, plus strand): 5'-AGGCTTAACCAATACGTGTTAAAAGCAAGTTACATTTTCTCTTTTAGGAAATTAACCATT[T>G]TCTCTCAGTAAGTGTTTATGATGCACTTCCATTGACAAGACTTGAAGGACTAAAGGATCT-3'
Protein context (NP_000042.3, residues 1587-1607): PFSLLEEINH[Phe1597Cys]LSVSVYDALP